The following is an entry in ClinVar:

NC_000002.11:g.(?_127804599)_(127865903_?)del

Gene: BIN1 (bridging integrator 1; minus strand). Cytogenetic location: 2q14.3.
Variant type: Deletion.
Identifiers: ClinVar variation 1412728 (VCV001412728.1).

ClinVar aggregate classification (germline): Uncertain significance (1 of 4 stars; one submission).

Conditions:
Myopathy, centronuclear, 2 (CNM2). Also called: MYOTUBULAR MYOPATHY, AUTOSOMAL RECESSIVE. Identifiers: Orphanet 169186, MedGen CN031787, MONDO:0009709, OMIM 255200.

Submission:

Labcorp Genetics (formerly Invitae), Labcorp
Classification: Uncertain significance for Myopathy, centronuclear, 2. Last evaluated: 2021-03-15. Review status: criteria provided, single submitter. Criteria: Invitae Variant Classification Sherloc (09022015). Collection method: clinical testing. Allele origin: germline.
Comment: A gross deletion of the genomic region encompassing the full coding sequence of the BIN1 gene has been identified. The current clinical and genetic evidence is not sufficient to establish whether loss-of-function variants in BIN1 cause disease. The boundaries of this event are unknown as they extend beyond the assayed region for this gene and therefore may encompass additional genes. This variant has not been reported in the literature in individuals with BIN1-related conditions. In summary, the available evidence is currently insufficient to determine the role of this variant in disease. Therefore, it has been classified as a Variant of Uncertain Significance.